The following is an entry in ClinVar:

NM_002109.6(HARS1):c.383_393del (p.Arg128fs)

Gene: HARS1 (histidyl-tRNA synthetase 1; minus strand). Cytogenetic location: 5q31.3.
Variant type: Deletion.
Coding change: c.383_393del on transcript NM_002109.6 (MANE Select); coding-DNA positions 383 to 393, 11 bases deleted (GCTATGACCTC).
Protein change: p.Arg128fs; shifts the reading frame from arginine 128.
Molecular consequence: frameshift variant. On other transcripts: intron variant (2).
Genome position (GRCh38, 1-based): chr5:140,679,791-140,679,801, GAGGTCATAGC deleted on the plus strand (GCTATGACCTC on the coding strand, the reverse complement: HARS1 is on the minus strand); deleting any 11 consecutive bases within chr5:140,679,791-140,679,803 gives the same sequence; the c. name uses the placement nearest the transcript's 3' end. VCF-style (leftmost placement, unchanged base first): chr5-140679790-TGAGGTCATAGC-T. GRCh37 (hg19) VCF-style: chr5-140059375-TGAGGTCATAGC-T.
Other names: c.263_273del, p.Arg88fs (NM_001258040.3, NM_001258042.3); c.383_393del, p.Arg128fs (NM_001258041.3); c.296_306del, p.Arg99fs (NM_001289094.2); c.181-1786_181-1776del (NM_001289093.2); c.301-1786_301-1776del (NM_001289092.2); short protein forms R128fs, R99fs, R88fs.
Identifiers: ClinVar variation 4773682 (VCV004773682.1).

ClinVar aggregate classification (germline): Uncertain significance (1 of 4 stars; one submission).

Conditions:
Usher syndrome type 3B. Also called: USHER SYNDROME, TYPE IIIB. Identifiers: MedGen C3281066, MONDO:0013788, OMIM 614504.

Submission:

Labcorp Genetics (formerly Invitae), Labcorp
Classification: Uncertain significance for Usher syndrome type 3B. Last evaluated: 2025-06-24. Review status: criteria provided, single submitter. Criteria: Invitae Variant Classification Sherloc (09022015). Collection method: clinical testing. Allele origin: germline.
Comment: This sequence change creates a premature translational stop signal (p.Arg128Hisfs*12) in the HARS gene. It is expected to result in an absent or disrupted protein product. However, the current clinical and genetic evidence is not sufficient to establish whether loss-of-function variants in HARS cause disease. This variant is not present in population databases (gnomAD no frequency). This variant has not been reported in the literature in individuals affected with HARS-related conditions. Algorithms developed to predict the effect of sequence changes on RNA splicing suggest that this variant may disrupt the consensus splice site. In summary, the available evidence is currently insufficient to determine the role of this variant in disease. Therefore, it has been classified as a Variant of Uncertain Significance.